The following is an entry in ClinVar:

NM_002075.4(GNB3):c.22C>T (p.Arg8Cys)

Gene: GNB3 (G protein subunit beta 3; plus strand). Cytogenetic location: 12p13.31.
Variant type: single nucleotide variant.
Coding change: c.22C>T on transcript NM_002075.4 (MANE Select); coding-DNA position 22, C replaced by T.
Protein change: p.Arg8Cys; replaces arginine 8 with cysteine.
Molecular consequence: missense variant.
Genome position (GRCh38, 1-based): chr12:6,841,309, C>T. VCF-style: chr12-6841309-C-T. GRCh37 (hg19) VCF-style: chr12-6950473-C-T.
Other names: c.22C>T, p.Arg8Cys (NM_001297571.2); short protein forms R8C.
Identifiers: ClinVar variation 2044693 (VCV002044693.5), dbSNP rs782750899, ClinGen allele CA6417334.

ClinVar aggregate classification (germline): Uncertain significance. Review status: criteria provided, multiple submitters, no conflicts (2 of 4 stars). 2 submissions from 2 submitters: Uncertain significance (2). Last evaluated 2024-04-17.

Allele frequency attached by ClinVar (database versions not stated): gnomAD exomes 0.00001; ExAC 0.00002; TOPMed 0.00002; gnomAD 0.00003.
gnomAD v4.1: 18 of 1,613,362 alleles (0.0011%); highest among the groups gnomAD compares: South Asian, 0.0044%; no homozygotes.

Submissions (2):

Labcorp Genetics (formerly Invitae), Labcorp
Classification: Uncertain significance. Last evaluated: 2024-04-17. Review status: criteria provided, single submitter. Criteria: Invitae Variant Classification Sherloc (09022015). Collection method: clinical testing. Allele origin: germline.
Comment: This sequence change replaces arginine, which is basic and polar, with cysteine, which is neutral and slightly polar, at codon 8 of the GNB3 protein (p.Arg8Cys). This variant is present in population databases (rs782750899, gnomAD 0.005%). This variant has not been reported in the literature in individuals affected with GNB3-related conditions. ClinVar contains an entry for this variant (Variation ID: 2044693). Advanced modeling of protein sequence and biophysical properties (such as structural, functional, and spatial information, amino acid conservation, physicochemical variation, residue mobility, and thermodynamic stability) performed at Invitae indicates that this missense variant is not expected to disrupt GNB3 protein function with a negative predictive value of 80%. In summary, the available evidence is currently insufficient to determine the role of this variant in disease. Therefore, it has been classified as a Variant of Uncertain Significance.

Blueprint Genetics
Classification: Uncertain significance. Last evaluated: 2022-09-21. Review status: criteria provided, single submitter. Criteria: ACMG Guidelines, 2015. Collection method: clinical testing. Allele origin: germline.